The following is an entry in ClinVar:

NM_006389.5(HYOU1):c.1236T>G (p.Asp412Glu)

Genes: HYOU1 (hypoxia up-regulated 1; minus strand), LOC130006884 (ATAC-STARR-seq lymphoblastoid active region 5617; plus strand). Cytogenetic location: 11q23.3.
Variant type: single nucleotide variant.
Coding change: c.1236T>G on transcript NM_006389.5 (MANE Select); coding-DNA position 1236, T replaced by G.
Protein change: p.Asp412Glu; replaces aspartic acid 412 with glutamic acid.
Molecular consequence: missense variant.
Genome position (GRCh38, 1-based): chr11:119,051,921, A>C on the plus strand (T>G on the coding strand, the complement: HYOU1 is on the minus strand). VCF-style: chr11-119051921-A-C. GRCh37 (hg19) VCF-style: chr11-118922633-A-C.
Other names: c.1236T>G, p.Asp412Glu (NM_001130991.3, NM_001411041.1); short protein forms D412E.
Identifiers: ClinVar variation 2052637 (VCV002052637.4), dbSNP rs2497166122, ClinGen allele CA382940164.

ClinVar aggregate classification (germline): Uncertain significance (1 of 4 stars; one submission).

Submission:

Labcorp Genetics (formerly Invitae), Labcorp
Classification: Uncertain significance. Last evaluated: 2021-12-22. Review status: criteria provided, single submitter. Criteria: Invitae Variant Classification Sherloc (09022015). Collection method: clinical testing. Allele origin: germline.
Comment: In summary, the available evidence is currently insufficient to determine the role of this variant in disease. Therefore, it has been classified as a Variant of Uncertain Significance. Algorithms developed to predict the effect of missense changes on protein structure and function are either unavailable or do not agree on the potential impact of this missense change (SIFT: "Not Available"; PolyPhen-2: "Probably Damaging"; Align-GVGD: "Not Available"). This variant has not been reported in the literature in individuals affected with HYOU1-related conditions. This variant is not present in population databases (gnomAD no frequency). This sequence change replaces aspartic acid, which is acidic and polar, with glutamic acid, which is acidic and polar, at codon 412 of the HYOU1 protein (p.Asp412Glu).